The following is an entry in ClinVar:

ClinVar aggregate classification (germline): Uncertain significance (1 of 4 stars; one submission).

Allele frequency attached by ClinVar (database versions not stated): ExAC 0.00002; gnomAD exomes 0.00002; gnomAD 0.00012; 1000 Genomes Project 0.00040; TOPMed 0.00042; 1000 Genomes Project 30x 0.00047.
gnomAD v4.1: 36 of 1,613,626 alleles (0.0022%); highest among the groups gnomAD compares: Admixed American, 0.035%; no homozygotes.

Submission:

Labcorp Genetics (formerly Invitae), Labcorp
Classification: Uncertain significance. Last evaluated: 2025-12-08. Review status: criteria provided, single submitter. Criteria: Invitae Variant Classification Sherloc (09022015). Collection method: clinical testing. Allele origin: germline.
Comment: This sequence change replaces isoleucine, which is neutral and non-polar, with valine, which is neutral and non-polar, at codon 1655 of the DSCAML1 protein (p.Ile1655Val). This variant is present in population databases (rs201565316, gnomAD 0.003%). This missense change has been observed in individual(s) with autism spectrum disorder (PMID: 33501714). ClinVar contains an entry for this variant (Variation ID: 2056045). An algorithm developed to predict the effect of missense changes on protein structure and function (PolyPhen-2) suggests that this variant is likely to be tolerated. In summary, the available evidence is currently insufficient to determine the role of this variant in disease. Therefore, it has been classified as a Variant of Uncertain Significance.

Literature cited by the submitters: PubMed 33501714.

NM_020693.4(DSCAML1):c.4783A>G (p.Ile1595Val)

Gene: DSCAML1 (DS cell adhesion molecule like 1; minus strand). Cytogenetic location: 11q23.3.
Variant type: single nucleotide variant.
Coding change: c.4783A>G on transcript NM_020693.4 (MANE Select); coding-DNA position 4783, A replaced by G.
Protein change: p.Ile1595Val; replaces isoleucine 1595 with valine.
Molecular consequence: missense variant.
Genome position (GRCh38, 1-based): chr11:117,435,737, T>C on the plus strand (A>G on the coding strand, the complement: DSCAML1 is on the minus strand). VCF-style: chr11-117435737-T-C. GRCh37 (hg19) VCF-style: chr11-117306453-T-C.
Other names: short protein forms I1595V.
Identifiers: ClinVar variation 2056045 (VCV002056045.4), dbSNP rs201565316, ClinGen allele CA6296268.